The following is an entry in ClinVar:

ClinVar aggregate classification (germline): Likely benign. Review status: criteria provided, multiple submitters, no conflicts (2 of 4 stars). 2 submissions from 2 submitters: Likely benign (2). Last evaluated 2026-05-01.

Submissions (2):

CeGaT Center for Human Genetics Tuebingen
Classification: Likely benign. Last evaluated: 2026-05-01. Review status: criteria provided, single submitter. Criteria: CeGaT Center For Human Genetics Tuebingen Variant Classification Criteria Version 2. Collection method: clinical testing. Allele origin: germline. Affected: yes. Observed: 1 variant allele.
Comment: CIC: BS1

Women's Health and Genetics/Laboratory Corporation of America, LabCorp
Classification: Likely benign. Last evaluated: 2026-04-27. Review status: criteria provided, single submitter. Criteria: LabCorp Variant Classification Summary - May 2015. Collection method: clinical testing. Allele origin: germline.
Comment: Variant summary: CIC NM_001304815.2 c.976G>A (p.Glu326Lys) results in a conservative amino acid change in the encoded protein sequence. Algorithms developed to predict the effect of missense changes on protein structure and function are either unavailable or do not agree on the potential impact of this missense change. This variant is also annotated as CIC NM_015125.5 c.-11946G>A where it is located in the untranscribed region upstream of the CIC gene region. The variant allele was found at a frequency of 0.0006 in 398852 control chromosomes, predominantly at a frequency of 0.0047 within the African or African-American subpopulation in the gnomAD database. The observed variant frequency within African or African-American control individuals in the gnomAD database exceeds the estimated maximal expected allele frequency for disease-causing variants in CIC. To our knowledge, no occurrence of this variant in individuals affected with CIC-related conditions and no experimental evidence demonstrating its impact on protein function have been reported. No submitters have cited clinical-significance assessments for this variant to ClinVar. Based on the evidence outlined above, the variant was classified as likely benign.

NM_001386298.1(CIC):c.976G>A (p.Glu326Lys)

Gene: CIC (capicua transcriptional repressor; plus strand). Cytogenetic location: 19q13.2.
Variant type: single nucleotide variant.
Coding change: c.976G>A on transcript NM_001386298.1 (MANE Select); coding-DNA position 976, G replaced by A.
Protein change: p.Glu326Lys; replaces glutamic acid 326 with lysine.
Molecular consequence: missense variant. On other transcripts: genic upstream transcript variant (1).
Genome position (GRCh38, 1-based): chr19:42,272,759, G>A. VCF-style: chr19-42272759-G-A. GRCh37 (hg19) VCF-style: chr19-42776911-G-A.
Other names: c.976G>A, p.Glu326Lys (NM_001379482.1, NM_001439183.1, NM_001439184.1 and 6 more transcripts); c.-11946G>A (NM_015125.5); short protein forms E326K.
Identifiers: ClinVar variation 4849082 (VCV004849082.3).
Genomic context (GRCh38, chr19:42,272,759, plus strand): 5'-TCCCAGCCAGGCCTACCAGGCAGCCTCCCGCAGCCCCCACAGCCACTGCACCGTGAGCCA[G>A]AGGAGGCTGTGTGGGTGGCCCGCTCCAGCCTACGCCTGCTGCGCCCCCCCTGGGAACCTG-3'
Protein context (NP_001373227.1, residues 316-336): QPPQPLHREP[Glu326Lys]EAVWVARSSL